The following is an entry in ClinVar:

ClinVar aggregate classification (germline): Uncertain significance (1 of 4 stars; one submission).

Conditions:
MKS1-related disorder. Also called: MKS1-related disorders; MKS1-related condition. Identifiers: MedGen CN239382.

Submission:

PreventionGenetics, part of Exact Sciences
Classification: Uncertain significance for MKS1-related condition. Last evaluated: 2025-09-11. Review status: criteria provided, single submitter. Criteria: ACMG Guidelines, 2015. Collection method: clinical testing. Allele origin: germline.
Comment: The MKS1 c.1589-3_1589-2delCA variant is predicted to result in a deletion affecting a canonical splice site. This variant has not been reported in the literature in individuals with MKS1-related disorders. This variant results in the retainment of a consensus AG acceptor sequence at the junction of intron 17 and exon 18. This variant is predicted to alter splicing based on available splicing prediction programs (SpliceAI, Jaganathan et al. 2019. PubMed ID: 30661751). However, the use of computer prediction programs is not equivalent to functional evidence. This variant is reported in 0.00089% of alleles in individuals of European (Non-Finnish) descent in gnomAD. At this time, the clinical significance of this variant is uncertain due to the absence of conclusive functional and genetic evidence.

NM_017777.4(MKS1):c.1589-3_1589-2del

Gene: MKS1 (MKS transition zone complex subunit 1; minus strand). Cytogenetic location: 17q22.
Variant type: Deletion.
Coding change: c.1589-3_1589-2del on transcript NM_017777.4 (MANE Select); 3 bases into the intron before coding-DNA position 1589 through the canonical splice acceptor site of the intron before coding-DNA position 1589, 2 bases deleted (CA; older notation c.1589-3_1589-2delCA).
Molecular consequence: splice acceptor variant.
Genome position (GRCh38, 1-based): chr17:58,206,172-58,206,173, TG deleted on the plus strand (CA on the coding strand, the reverse complement: MKS1 is on the minus strand); deleting any 2 consecutive bases within chr17:58,206,172-58,206,174 gives the same sequence; the c. name uses the placement nearest the transcript's 3' end. VCF-style (leftmost placement, unchanged base first): chr17-58206171-CTG-C. GRCh37 (hg19) VCF-style: chr17-56283532-CTG-C.
Other names: c.980-3_980-2del (NM_001321268.2); c.*1-3_*1-2del (NM_001330397.2); c.1506-3_1506-2del (NM_001321269.2).
Identifiers: ClinVar variation 4982224 (VCV004982224.1).
Genomic context (GRCh38, chr17:58,206,171, plus strand): 5'-GGTCCTGCGGGAGGCTTTCCCGGGCCTCCTGCATGCGGCGCCGGGCTCGACGGAAGGCCT[CTG>C]TAAGGAAAGGAGATATGCTATTTGGCTGCCATATGGTATTTCTCTCTGCACTGCAGAGAG-3'